The following is an entry in ClinVar:

NM_017613.4(DONSON):c.170C>T (p.Pro57Leu)

Gene: DONSON (DNA replication fork stabilization factor DONSON; minus strand). Cytogenetic location: 21q22.11.
Variant type: single nucleotide variant.
Coding change: c.170C>T on transcript NM_017613.4 (MANE Select); coding-DNA position 170, C replaced by T.
Protein change: p.Pro57Leu; replaces proline 57 with leucine.
Molecular consequence: missense variant.
Genome position (GRCh38, 1-based): chr21:33,588,472, G>A on the plus strand (C>T on the coding strand, the complement: DONSON is on the minus strand). VCF-style: chr21-33588472-G-A. GRCh37 (hg19) VCF-style: chr21-34960778-G-A.
Other names: short protein forms P57L.
Identifiers: ClinVar variation 3618338 (VCV003618338.2).
Genomic context (GRCh38, chr21:33,588,472, plus strand): 5'-CTCCGAGCAGCGGCCGGGCCGCCGCCGCTGCCACCGCCTCTGCCCCCCGCAGCAGGGAAA[G>A]GGCGAAGAGGCAGCCCCGCCACCAGGGCGGCTCGGCGGGCCGCCGGCTCCGTCAGCTCAC-3'
Protein context (NP_060083.1, residues 47-67): AALVAGLPLR[Pro57Leu]FPAAGGRGGG

ClinVar aggregate classification (germline): Uncertain significance (1 of 4 stars; one submission).

gnomAD v4.1: 2 of 1,278,182 alleles (0.00016%); highest among the groups gnomAD compares: South Asian, 0.0026%; no homozygotes.

Submission:

Labcorp Genetics (formerly Invitae), Labcorp
Classification: Uncertain significance. Last evaluated: 2024-06-19. Review status: criteria provided, single submitter. Criteria: Invitae Variant Classification Sherloc (09022015). Collection method: clinical testing. Allele origin: germline.
Comment: This sequence change replaces proline, which is neutral and non-polar, with leucine, which is neutral and non-polar, at codon 57 of the DONSON protein (p.Pro57Leu). This variant is present in population databases (rs761178168, gnomAD 0.01%). This variant has not been reported in the literature in individuals affected with DONSON-related conditions. An algorithm developed to predict the effect of missense changes on protein structure and function (PolyPhen-2) suggests that this variant is likely to be disruptive. In summary, the available evidence is currently insufficient to determine the role of this variant in disease. Therefore, it has been classified as a Variant of Uncertain Significance.